The following is an entry in ClinVar:

ClinVar aggregate classification (germline): Benign (1 of 4 stars; one submission).

Conditions:
Melanoma, cutaneous malignant, susceptibility to, 5. Also called: Cutaneous malignant melanoma 5. Identifiers: Orphanet 618, MedGen C2751295, MONDO:0013133, OMIM 613099.

Allele frequency attached by ClinVar (database versions not stated): gnomAD 0.00144 and 0.00008; 1000 Genomes Project 0.01178; 1000 Genomes Project 30x 0.01156; TOPMed 0.00031; gnomAD exomes 0.00040.

Submission:

Illumina Laboratory Services, Illumina
Classification: Benign for Melanoma, cutaneous malignant, susceptibility to, 5. Last evaluated: 2018-01-13. Review status: criteria provided, single submitter. Criteria: ICSL Variant Classification Criteria 13 December 2019. Collection method: clinical testing. Allele origin: germline.
Comment: This variant was observed in the ICSL laboratory as part of a predisposition screen in an ostensibly healthy population. It had not been previously curated by ICSL or reported in the Human Gene Mutation Database (HGMD: prior to June 1st, 2018), and was therefore a candidate for classification through an automated scoring system. Utilizing variant allele frequency, disease prevalence and penetrance estimates, and inheritance mode, an automated score was calculated to assess if this variant is too frequent to cause the disease. Based on the score and internal cut-off values, a variant classified as benign is not then subjected to further curation. The score for this variant resulted in a classification of benign for this disease.

NM_002386.3(MC1R):c.-535G>A

Gene: MC1R (melanocortin 1 receptor; plus strand). Cytogenetic location: 16q24.3.
Variant type: single nucleotide variant.
Coding change: c.-535G>A on transcript NM_002386.3; 535 bases upstream of the start codon, G replaced by A.
Genome position (GRCh38, 1-based): chr16:89,918,724, G>A. VCF-style: chr16-89918724-G-A. GRCh37 (hg19) VCF-style: chr16-89985132-G-A.
Identifiers: ClinVar variation 321400 (VCV000321400.7), dbSNP rs557576978, ClinGen allele CA10644660.
Genomic context (GRCh38, chr16:89,918,724, plus strand): 5'-AGGTGGGGGCCCTGGTGACCAGGACAGACTGTGGTGTTTTTTAACGTAAAGGAGATCCGC[G>A]GTGTGAGGGACCCCCTGGGTCCTGCACGCCGCCTGGTGGCAGGCCGGGCCATGGTGGGTG-3'